The following is an entry in ClinVar:

ClinVar aggregate classification (germline): Conflicting classifications of pathogenicity. Review status: criteria provided, conflicting classifications (1 of 4 stars). 8 submissions from 8 submitters: Uncertain significance (1); Benign (1); Likely benign (6). Last evaluated 2026-03-03.

Conditions:
Cardiovascular phenotype. Identifiers: MedGen CN230736.
Dilated cardiomyopathy 1D. Identifiers: Orphanet 154, Orphanet 54260, MedGen C1832243, MONDO:0011095, OMIM 601494.
Cardiomyopathy, familial restrictive, 3. Identifiers: Orphanet 75249, MedGen C2676271, MONDO:0012900, OMIM 612422.
Hypertrophic cardiomyopathy 2. Also called: TNNT2-Related Familial Hypertrophic Cardiomyopathy. Identifiers: MedGen C1861864, MONDO:0007266, OMIM 115195.
Cardiomyopathy (CMYO). Also called: Cardiomyopathies. Identifiers: Orphanet 167848, MedGen C0878544, MONDO:0004994, HP:0001638. Inheritance: Various modes of inheritance.

Allele frequency attached by ClinVar (database versions not stated): gnomAD exomes 0.00002 and 0.00006; ExAC 0.00005; ESP Exome Variant Server 0.00008; TOPMed 0.00008; gnomAD 0.00009 and 0.00011; 1000 Genomes Project 0.00040; 1000 Genomes Project 30x 0.00062.
gnomAD v4.1: 49 of 1,614,068 alleles (0.003%); highest among the groups gnomAD compares: African/African-American, 0.025%; no homozygotes.

Submissions (8):

Women's Health and Genetics/Laboratory Corporation of America, LabCorp
Classification: Likely benign. Last evaluated: 2026-03-03. Review status: criteria provided, single submitter. Criteria: LabCorp Variant Classification Summary - May 2015. Collection method: clinical testing. Allele origin: germline.
Comment: Variant summary: TNNT2 c.178A>G (p.Met60Val) results in a conservative amino acid change in the encoded protein sequence. Algorithms developed to predict the effect of missense changes on protein structure and function are either unavailable or do not agree on the potential impact of this missense change. The variant allele was found at a frequency of 3e-05 in 1614068 control chromosomes, predominantly at a frequency of 0.00025 within the African or African-American subpopulation in the gnomAD database. The observed variant frequency within African or African-American control individuals in the gnomAD database exceeds the estimated maximal expected allele frequency for disease-causing variants in TNNT2. c.178A>G has been observed in individual(s) affected with Dilated Cardiomyopathy, without strong evidence for causality (e.g. Pugh_2014, Khan_2022). These reports do not provide unequivocal conclusions about association of the variant with Cardiomyopathy. To our knowledge, no experimental evidence demonstrating an impact on protein function has been reported. The following publications have been ascertained in the context of this evaluation (PMID: 34935411, 31983221, 24503780, 27532257). ClinVar contains an entry for this variant (Variation ID: 43615). Based on the evidence outlined above, the variant was classified as likely benign.

Labcorp Genetics (formerly Invitae), Labcorp
Classification: Likely benign for Cardiomyopathy, familial restrictive, 3; Hypertrophic cardiomyopathy 2; Dilated cardiomyopathy 1D. Last evaluated: 2026-01-19. Review status: criteria provided, single submitter. Criteria: Invitae Variant Classification Sherloc (09022015). Collection method: clinical testing. Allele origin: germline.

Color Diagnostics, LLC DBA Color Health
Classification: Benign for Cardiomyopathy. Last evaluated: 2024-09-12. Review status: criteria provided, single submitter. Criteria: ACMG Guidelines, 2015. Collection method: clinical testing. Allele origin: germline.

GeneDx
Classification: Uncertain significance. Last evaluated: 2020-10-20. Review status: criteria provided, single submitter. Criteria: GeneDx Variant Classification Process June 2021. Collection method: clinical testing. Allele origin: germline. Affected: yes.
Comment: Reported in association with HCM (Walsh et al., 2017); Identified in conjunction with additional variants in individuals referred for cardiomyopathy genetic testing at GeneDx; segregation data is limited or absent at this time; In silico analysis, which includes protein predictors and evolutionary conservation, supports that this variant does not alter protein structure/function; Reported in ClinVar (ClinVar Variant ID# 43615; Landrum et al., 2016); This variant is associated with the following publications: (PMID: 27532257, 31983221, 33025817)

CHEO Genetics Diagnostic Laboratory, Children's Hospital of Eastern Ontario
Classification: Likely benign for Cardiomyopathy. Last evaluated: 2020-02-18. Review status: criteria provided, single submitter. Criteria: ACMG Guidelines, 2015. Collection method: clinical testing. Allele origin: germline.

Ambry Genetics
Classification: Likely benign for Cardiovascular phenotype. Last evaluated: 2020-02-14. Review status: criteria provided, single submitter. Criteria: Ambry Variant Classification Scheme 2023. Collection method: clinical testing. Allele origin: germline.

CeGaT Center for Human Genetics Tuebingen
Classification: Likely benign. Last evaluated: 2018-05-01. Review status: criteria provided, single submitter. Criteria: CeGaT Center For Human Genetics Tuebingen Variant Classification Criteria Version 2. Collection method: clinical testing. Allele origin: germline. Affected: yes. Observed: 1 variant allele.

Laboratory for Molecular Medicine, Mass General Brigham Personalized Medicine
Classification: Likely benign. Last evaluated: 2014-11-13. Review status: criteria provided, single submitter. Criteria: LMM Criteria. Collection method: clinical testing. Allele origin: germline. Observed: 1 variant allele.
Comment: proposed classification - variant undergoing re-assessment, contact laboratory

Literature cited by the submitters: PubMed 24503780 (cited by Women's Health and Genetics/Laboratory Corporation of America, LabCorp and Ambry Genetics); PubMed 27532257 (cited by Women's Health and Genetics/Laboratory Corporation of America, LabCorp and Ambry Genetics); PubMed 31983221 (cited by Women's Health and Genetics/Laboratory Corporation of America, LabCorp); PubMed 34935411 (cited by Women's Health and Genetics/Laboratory Corporation of America, LabCorp); PubMed 22958901 (cited by Ambry Genetics).

NM_001276345.2(TNNT2):c.208A>G (p.Met70Val)

Gene: TNNT2 (troponin T2, cardiac type; minus strand). Cytogenetic location: 1q32.1.
Variant type: single nucleotide variant.
Coding change: c.208A>G on transcript NM_001276345.2 (MANE Select); coding-DNA position 208, A replaced by G.
Protein change: p.Met70Val; replaces methionine 70 with valine.
Molecular consequence: missense variant.
Genome position (GRCh38, 1-based): chr1:201,366,863, T>C on the plus strand (A>G on the coding strand, the complement: TNNT2 is on the minus strand). VCF-style: chr1-201366863-T-C. GRCh37 (hg19) VCF-style: chr1-201335991-T-C.
Other names: c.208A>G, p.Met70Val (NM_000364.4); c.178A>G, p.Met60Val (NM_001001430.3, NM_001001431.3, NM_001276347.2); c.163A>G, p.Met55Val (NM_001001432.3); c.205A>G, p.Met69Val (NM_001276346.2); short protein forms M60V, M70V, M69V, M55V.
Identifiers: ClinVar variation 43615 (VCV000043615.66), dbSNP rs141837529, ClinGen allele CA004115.